The following is an entry in ClinVar:

NM_001377299.1(NDUFS2):c.103C>T (p.Arg35Trp)

Gene: NDUFS2 (NADH:ubiquinone oxidoreductase core subunit S2; plus strand). Cytogenetic location: 1q23.3.
Variant type: single nucleotide variant.
Coding change: c.103C>T on transcript NM_001377299.1 (MANE Select); coding-DNA position 103, C replaced by T.
Protein change: p.Arg35Trp; replaces arginine 35 with tryptophan.
Molecular consequence: missense variant. On other transcripts: non-coding transcript variant (1).
Genome position (GRCh38, 1-based): chr1:161,203,444, C>T. VCF-style: chr1-161203444-C-T. GRCh37 (hg19) VCF-style: chr1-161173234-C-T.
Other names: c.103C>T (NM_004550.4); c.103C>T, p.Arg35Trp (NM_001166159.2, NM_001377298.1, NM_001377300.1 and 3 more transcripts); short protein forms R35W.
Identifiers: ClinVar variation 1513273 (VCV001513273.7), dbSNP rs1352784505, ClinGen allele CA343376768.
Genomic context (GRCh38, chr1:161,203,444, plus strand): 5'-GGAACCAAACACTGTTCAGGCCCTTTGTCTAGGATCTGTCTTTGACTCCCCAGAGGTGTT[C>T]GGCAGTGGCAGCCAGATGTGGAATGGGCACAGCAGTTTGGGGGAGCTGTTATGTACCCAA-3'
Protein context (NP_001364228.1, residues 25-45): RLPIQPSRGV[Arg35Trp]QWQPDVEWAQ

ClinVar aggregate classification (germline): Uncertain significance. Review status: criteria provided, multiple submitters, no conflicts (2 of 4 stars). 2 submissions from 2 submitters: Uncertain significance (2). Last evaluated 2024-11-14.

Conditions:
Inborn genetic diseases. Identifiers: MedGen C0950123, MeSH D030342.

Allele frequency attached by ClinVar (database versions not stated): gnomAD 0.00001; gnomAD exomes 0.00001; TOPMed 0.00001.

Submissions (2):

Ambry Genetics
Classification: Uncertain significance for Inborn genetic diseases. Last evaluated: 2024-11-14. Review status: criteria provided, single submitter. Criteria: Ambry Variant Classification Scheme 2023. Collection method: clinical testing. Allele origin: germline.

Labcorp Genetics (formerly Invitae), Labcorp
Classification: Uncertain significance. Last evaluated: 2024-01-22. Review status: criteria provided, single submitter. Criteria: Invitae Variant Classification Sherloc (09022015). Collection method: clinical testing. Allele origin: germline.
Comment: This sequence change replaces arginine, which is basic and polar, with tryptophan, which is neutral and slightly polar, at codon 35 of the NDUFS2 protein (p.Arg35Trp). This variant is present in population databases (no rsID available, gnomAD 0.003%). This variant has not been reported in the literature in individuals affected with NDUFS2-related conditions. ClinVar contains an entry for this variant (Variation ID: 1513273). An algorithm developed to predict the effect of missense changes on protein structure and function (PolyPhen-2) suggests that this variant is likely to be disruptive. Algorithms developed to predict the effect of sequence changes on RNA splicing suggest that this variant may disrupt the consensus splice site. In summary, the available evidence is currently insufficient to determine the role of this variant in disease. Therefore, it has been classified as a Variant of Uncertain Significance.